The following is an entry in ClinVar:

ClinVar aggregate classification (germline): Uncertain significance (1 of 4 stars; one submission).

Conditions:
Macrothrombocytopenia and granulocyte inclusions with or without nephritis or sensorineural hearing loss (MATINS). Also called: MAY-HEGGLIN ANOMALY; DOHLE LEUKOCYTE INCLUSIONS WITH GIANT PLATELETS; MACROTHROMBOCYTOPENIA WITH LEUKOCYTE INCLUSIONS; BLEEDING DISORDER, PLATELET-TYPE, 6; SEBASTIAN PLATELET SYNDROME; MACROTHROMBOCYTOPENIA WITH DISPERSED LEUKOCYTIC INCLUSIONS. Identifiers: Orphanet 182050, MedGen C5200934, MONDO:0015912, OMIM 155100.

Submission:

MVZ Medizinische Genetik Mainz
Classification: Uncertain significance for Macrothrombocytopenia and granulocyte inclusions with or without nephritis or sensorineural hearing loss. Last evaluated: 2021-11-04. Review status: criteria provided, single submitter. Criteria: UK Practice Guidelines For Variant Classification V4 01 2020. Collection method: clinical testing. Allele origin: germline. Inheritance: Autosomal dominant inheritance. Affected: yes. Observed: 1 variant allele.
Comment: ACMG Criteria: PM2_SUP, PP2, PP3 (ACMG Version 3)

NM_002473.6(MYH9):c.4595A>G (p.Gln1532Arg)

Gene: MYH9 (myosin heavy chain 9; minus strand). Cytogenetic location: 22q12.3.
Variant type: single nucleotide variant.
Coding change: c.4595A>G on transcript NM_002473.6 (MANE Select); coding-DNA position 4595, A replaced by G.
Protein change: p.Gln1532Arg; replaces glutamine 1532 with arginine.
Molecular consequence: missense variant.
Genome position (GRCh38, 1-based): chr22:36,288,902, T>C on the plus strand (A>G on the coding strand, the complement: MYH9 is on the minus strand). VCF-style: chr22-36288902-T-C. GRCh37 (hg19) VCF-style: chr22-36684948-T-C.
Other names: short protein forms Q1532R.
Identifiers: ClinVar variation 3234040 (VCV003234040.1), dbSNP rs11549910, ClinGen allele CA323588585.